The following is an entry in ClinVar:

ClinVar aggregate classification (germline): Uncertain significance (1 of 4 stars; one submission).

Conditions:
Spermatogenic failure 18. Identifiers: MedGen C4539783, MONDO:0054615, OMIM 617576.
Ciliary dyskinesia, primary, 37 (CILD37). Also called: CILIARY DYSKINESIA, PRIMARY, 37, WITH OR WITHOUT SITUS INVERSUS. Identifiers: MedGen C4539798, MONDO:0033204, OMIM 617577.

Submission:

Labcorp Genetics (formerly Invitae), Labcorp
Classification: Uncertain significance for Ciliary dyskinesia, primary, 37; Spermatogenic failure 18. Last evaluated: 2017-06-16. Review status: criteria provided, single submitter. Criteria: Invitae Variant Classification Sherloc (09022015). Collection method: clinical testing. Allele origin: germline.
Comment: This sequence change replaces proline with serine at codon 335 of the DNAH1 protein (p.Pro335Ser). The proline residue is highly conserved and there is a moderate physicochemical difference between proline and serine. This variant is not present in population databases (ExAC no frequency). This variant has not been reported in the literature in individuals with a DNAH1-related disease. Algorithms developed to predict the effect of missense changes on protein structure and function do not agree on the potential impact of this missense change (SIFT: "Deleterious"; PolyPhen-2: "Benign"; Align-GVGD: "Class C0"). In summary, this variant has uncertain impact on DNAH1 function. The available evidence is currently insufficient to determine its role in disease. Therefore, it has been classified as a Variant of Uncertain Significance.

NM_015512.5(DNAH1):c.1003C>T (p.Pro335Ser)

Gene: DNAH1 (dynein axonemal heavy chain 1; plus strand). Cytogenetic location: 3p21.1.
Variant type: single nucleotide variant.
Coding change: c.1003C>T on transcript NM_015512.5 (MANE Select); coding-DNA position 1003, C replaced by T.
Protein change: p.Pro335Ser; replaces proline 335 with serine.
Molecular consequence: missense variant.
Genome position (GRCh38, 1-based): chr3:52,331,279, C>T. VCF-style: chr3-52331279-C-T. GRCh37 (hg19) VCF-style: chr3-52365295-C-T.
Other names: short protein forms P335S.
Identifiers: ClinVar variation 478378 (VCV000478378.1), dbSNP rs1553628078, ClinGen allele CA353079560.